The following is an entry in ClinVar:

ClinVar aggregate classification (germline): Likely benign. Review status: criteria provided, multiple submitters, no conflicts (2 of 4 stars). 3 submissions from 3 submitters: Likely benign (3). Last evaluated 2024-10-04.

Conditions:
Familial cancer of breast. Also called: Hereditary breast cancer; hereditary breast carcinoma; BREAST CANCER, FAMILIAL. Identifiers: Orphanet 227535, MedGen C0346153, MONDO:0016419, OMIM 114480. Disease mechanism: loss of function.
Hereditary cancer-predisposing syndrome. Also called: Hereditary neoplastic syndrome; Tumor predisposition; Hereditary Cancer Syndrome; Neoplastic Syndromes, Hereditary. Identifiers: Orphanet 140162, MedGen C0027672, MeSH D009386, MONDO:0015356.

Allele frequency attached by ClinVar (database versions not stated): gnomAD exomes below 0.00001; gnomAD 0.00001; TOPMed 0.00001.
gnomAD v4.1: 6 of 1,510,436 alleles (0.0004%); highest among the groups gnomAD compares: Non-Finnish European, 0.00055%; no homozygotes.

Submissions (3):

Myriad Genetics, Inc.
Classification: Likely benign for Familial cancer of breast. Last evaluated: 2024-10-04. Review status: criteria provided, single submitter. Criteria: Myriad Autosomal Dominant, Autosomal Recessive and X-Linked Classification Criteria (2023). Collection method: clinical testing. Allele origin: unknown.
Comment: This variant is considered likely benign. This variant is intronic and is not expected to impact mRNA splicing.

Labcorp Genetics (formerly Invitae), Labcorp
Classification: Likely benign for Familial cancer of breast. Last evaluated: 2024-09-02. Review status: criteria provided, single submitter. Criteria: Invitae Variant Classification Sherloc (09022015). Collection method: clinical testing. Allele origin: germline.

Color Diagnostics, LLC DBA Color Health
Classification: Likely benign for Hereditary cancer-predisposing syndrome. Last evaluated: 2016-11-16. Review status: criteria provided, single submitter. Criteria: ACMG Guidelines, 2015. Collection method: clinical testing. Allele origin: germline.

NM_007194.4(CHEK2):c.1009-20A>G

Gene: CHEK2 (checkpoint kinase 2; minus strand). Cytogenetic location: 22q12.1.
Variant type: single nucleotide variant.
Coding change: c.1009-20A>G on transcript NM_007194.4 (MANE Select); 20 bases into the intron before coding-DNA position 1009, A replaced by G.
Molecular consequence: intron variant.
Genome position (GRCh38, 1-based): chr22:28,697,007, T>C on the plus strand (A>G on the coding strand, the complement: CHEK2 is on the minus strand). VCF-style: chr22-28697007-T-C. GRCh37 (hg19) VCF-style: chr22-29092995-T-C.
Other names: c.346-20A>G (NM_001437942.1, NM_001257387.3); c.808-20A>G (NM_001349956.3); c.1009-1134A>G (NM_145862.3); c.1102-1134A>G (NM_001438295.1); c.1102-20A>G (NM_001438293.1); c.1138-1134A>G (NM_001438294.1); c.1138-20A>G (NM_001005735.3).
Identifiers: ClinVar variation 491585 (VCV000491585.9), dbSNP rs946179247, ClinGen allele CA323006937.